The following is an entry in ClinVar:

ClinVar aggregate classification (germline): Uncertain significance. Review status: criteria provided, multiple submitters, no conflicts (2 of 4 stars). 3 submissions from 3 submitters: Uncertain significance (3). Last evaluated 2026-06-03.

Conditions:
PCDH15-related disorder. Also called: PCDH15-related disorders; PCDH15-related condition.

Allele frequency attached by ClinVar (database versions not stated): ExAC 0.00002; gnomAD exomes 0.00002 and 0.00004; TOPMed 0.00003.
gnomAD v4.1: 13 of 1,614,180 alleles (0.00081%); highest among the groups gnomAD compares: Admixed American, 0.022%; no homozygotes.

Submissions (3):

PreventionGenetics, part of Exact Sciences
Classification: Uncertain significance for PCDH15-related condition. Last evaluated: 2026-06-03. Review status: criteria provided, single submitter. Criteria: ACMG Guidelines, 2015. Collection method: clinical testing. Allele origin: germline.
Comment: The PCDH15 c.4072G>C variant is predicted to result in the amino acid substitution p.Glu1358Gln. To our knowledge, this variant has not been reported in the literature. This variant is reported in 0.032% of alleles in individuals of Latino descent in gnomAD. At this time, the clinical significance of this variant is uncertain due to the absence of conclusive functional and genetic evidence.

Labcorp Genetics (formerly Invitae), Labcorp
Classification: Uncertain significance. Last evaluated: 2022-03-28. Review status: criteria provided, single submitter. Criteria: Invitae Variant Classification Sherloc (09022015). Collection method: clinical testing. Allele origin: germline.
Comment: This sequence change replaces glutamic acid, which is acidic and polar, with glutamine, which is neutral and polar, at codon 1358 of the PCDH15 protein (p.Glu1358Gln). This variant is present in population databases (rs766259569, gnomAD 0.03%). This variant has not been reported in the literature in individuals affected with PCDH15-related conditions. Algorithms developed to predict the effect of missense changes on protein structure and function (SIFT, PolyPhen-2, Align-GVGD) all suggest that this variant is likely to be tolerated. In summary, the available evidence is currently insufficient to determine the role of this variant in disease. Therefore, it has been classified as a Variant of Uncertain Significance.

Blueprint Genetics
Classification: Uncertain significance. Last evaluated: 2021-12-03. Review status: criteria provided, single submitter. Criteria: ACMG Guidelines, 2015. Collection method: clinical testing. Allele origin: germline.

NM_001384140.1(PCDH15):c.4072G>C (p.Glu1358Gln)

Gene: PCDH15 (protocadherin related 15; minus strand). Cytogenetic location: 10q21.1.
Variant type: single nucleotide variant.
Coding change: c.4072G>C on transcript NM_001384140.1 (MANE Select); coding-DNA position 4072, G replaced by C.
Protein change: p.Glu1358Gln; replaces glutamic acid 1358 with glutamine.
Molecular consequence: missense variant.
Genome position (GRCh38, 1-based): chr10:53,831,445, C>G on the plus strand (G>C on the coding strand, the complement: PCDH15 is on the minus strand). VCF-style: chr10-53831445-C-G. GRCh37 (hg19) VCF-style: chr10-55591205-C-G.
Other names: c.4006G>C, p.Glu1336Gln (NM_001354404.2, NM_001142768.2, NM_001142773.2); c.4093G>C, p.Glu1365Gln (NM_001354411.2); c.4072G>C, p.Glu1358Gln (NM_001354420.2, NM_001354429.2, NM_033056.4 and 4 more transcripts); c.4087G>C, p.Glu1363Gln (NM_001142763.2, NM_001142771.2); c.3859G>C, p.Glu1287Gln (NM_001142765.2); c.3961G>C, p.Glu1321Gln (NM_001142767.2); c.4108G>C, p.Glu1370Gln (NM_001142769.4); c.4072G>C (NM_033056.3); short protein forms E1370Q, E1363Q, E1321Q, E1358Q, E1287Q, E1336Q, E1365Q.
Identifiers: ClinVar variation 1423686 (VCV001423686.5), dbSNP rs766259569, ClinGen allele CA5505475.